The following is an entry in ClinVar:

ClinVar aggregate classification (germline): Uncertain significance (1 of 4 stars; one submission).

Submission:

GeneDx
Classification: Uncertain significance. Last evaluated: 2024-03-27. Review status: criteria provided, single submitter. Criteria: GeneDx Variant Classification Process June 2021. Collection method: clinical testing. Allele origin: germline. Affected: yes.
Comment: Not observed at significant frequency in large population cohorts (gnomAD); In silico analysis supports that this missense variant has a deleterious effect on protein structure/function; Has not been previously published as pathogenic or benign to our knowledge

NM_013450.4(BAZ2B):c.3521A>G (p.Asp1174Gly)

Gene: BAZ2B (bromodomain adjacent to zinc finger domain 2B; minus strand). Cytogenetic location: 2q24.2.
Variant type: single nucleotide variant.
Coding change: c.3521A>G on transcript NM_013450.4 (MANE Select); coding-DNA position 3521, A replaced by G.
Protein change: p.Asp1174Gly; replaces aspartic acid 1174 with glycine.
Molecular consequence: missense variant.
Genome position (GRCh38, 1-based): chr2:159,385,320, T>C on the plus strand (A>G on the coding strand, the complement: BAZ2B is on the minus strand). VCF-style: chr2-159385320-T-C. GRCh37 (hg19) VCF-style: chr2-160241831-T-C.
Other names: c.3413A>G, p.Asp1138Gly (NM_001289975.1); c.3359A>G, p.Asp1120Gly (NM_001329857.2); c.3446A>G, p.Asp1149Gly (NM_001329858.2); short protein forms D1120G, D1138G, D1149G, D1174G.
Identifiers: ClinVar variation 3371775 (VCV003371775.1).